The following is an entry in ClinVar:

NM_004304.5(ALK):c.3068-7C>A

Gene: ALK (ALK receptor tyrosine kinase; minus strand). Cytogenetic location: 2p23.2.
Variant type: single nucleotide variant.
Coding change: c.3068-7C>A on transcript NM_004304.5 (MANE Select); 7 bases into the intron before coding-DNA position 3068, C replaced by A.
Molecular consequence: intron variant.
Genome position (GRCh38, 1-based): chr2:29,225,572, G>T on the plus strand (C>A on the coding strand, the complement: ALK is on the minus strand). VCF-style: chr2-29225572-G-T. GRCh37 (hg19) VCF-style: chr2-29448438-G-T.
Identifiers: ClinVar variation 2919927 (VCV002919927.3), dbSNP rs2148176617, ClinGen allele CA2658460148.

ClinVar aggregate classification (germline): Uncertain significance (1 of 4 stars; one submission).

Conditions:
Neuroblastoma, susceptibility to, 3. Also called: ALK-Related Neuroblastic Tumor Susceptibility. Identifiers: Orphanet 635, MedGen C2751681, MONDO:0013083, OMIM 613014.

gnomAD v4.1: 2 of 1,606,872 alleles (0.00012%); highest among the groups gnomAD compares: Non-Finnish European, 0.00017%; no homozygotes.

Submission:

Labcorp Genetics (formerly Invitae), Labcorp
Classification: Uncertain significance for Neuroblastoma, susceptibility to, 3. Last evaluated: 2024-01-24. Review status: criteria provided, single submitter. Criteria: Invitae Variant Classification Sherloc (09022015). Collection method: clinical testing. Allele origin: germline.
Comment: This sequence change falls in intron 18 of the ALK gene. It does not directly change the encoded amino acid sequence of the ALK protein. This variant is not present in population databases (gnomAD no frequency). This variant has not been reported in the literature in individuals affected with ALK-related conditions. Algorithms developed to predict the effect of sequence changes on RNA splicing suggest that this variant may disrupt the consensus splice site. In summary, the available evidence is currently insufficient to determine the role of this variant in disease. Therefore, it has been classified as a Variant of Uncertain Significance.